The following is an entry in ClinVar:

ClinVar aggregate classification (germline): Uncertain significance. Review status: criteria provided, multiple submitters, no conflicts (2 of 4 stars). 4 submissions from 4 submitters: Uncertain significance (4). Last evaluated 2025-08-09.

Conditions:
Cardiovascular phenotype. Identifiers: MedGen CN230736.
RASopathy. Also called: rasopathies; Noonan spectrum disorder. Identifiers: Orphanet 536391, MedGen C5555857, MONDO:0021060.

Allele frequency attached by ClinVar (database versions not stated): gnomAD 0.00001; TOPMed 0.00001; gnomAD exomes 0.00002; ExAC 0.00003; ESP Exome Variant Server 0.00008.

Submissions (4):

Labcorp Genetics (formerly Invitae), Labcorp
Classification: Uncertain significance for RASopathy. Last evaluated: 2025-08-09. Review status: criteria provided, single submitter. Criteria: Invitae Variant Classification Sherloc (09022015). Collection method: clinical testing. Allele origin: germline.
Comment: This sequence change replaces aspartic acid, which is acidic and polar, with valine, which is neutral and non-polar, at codon 541 of the CBL protein (p.Asp541Val). This variant is present in population databases (rs147285276, gnomAD 0.005%). This variant has not been reported in the literature in individuals affected with CBL-related conditions. ClinVar contains an entry for this variant (Variation ID: 503531). Invitae Evidence Modeling of protein sequence and biophysical properties (such as structural, functional, and spatial information, amino acid conservation, physicochemical variation, residue mobility, and thermodynamic stability) indicates that this missense variant is not expected to disrupt CBL protein function with a negative predictive value of 95%. In summary, the available evidence is currently insufficient to determine the role of this variant in disease. Therefore, it has been classified as a Variant of Uncertain Significance.

Ambry Genetics
Classification: Uncertain significance for Cardiovascular phenotype. Last evaluated: 2024-10-04. Review status: criteria provided, single submitter. Criteria: Ambry Variant Classification Scheme 2023. Collection method: clinical testing. Allele origin: germline.
Comment: The p.D541V variant (also known as c.1622A>T), located in coding exon 11 of the CBL gene, results from an A to T substitution at nucleotide position 1622. The aspartic acid at codon 541 is replaced by valine, an amino acid with highly dissimilar properties. This amino acid position is conserved. In addition, the in silico prediction for this alteration is inconclusive. Based on the available evidence, the clinical significance of this variant remains unclear.

Blueprint Genetics
Classification: Uncertain significance. Last evaluated: 2021-11-25. Review status: criteria provided, single submitter. Criteria: ACMG Guidelines, 2015. Collection method: clinical testing. Allele origin: germline.

Laboratory for Molecular Medicine, Mass General Brigham Personalized Medicine
Classification: Uncertain significance. Last evaluated: 2018-03-06. Review status: criteria provided, single submitter. Criteria: LMM Criteria. Collection method: clinical testing. Allele origin: germline.
Comment: Disclaimer: This variant has not undergone full assessment. The following are preliminary notes: Gnomad 6/126604; not in ClinVar, hgmd, or google search, conserved, predicted damaging.

NM_005188.4(CBL):c.1622A>T (p.Asp541Val)

Gene: CBL (Cbl proto-oncogene; plus strand). Cytogenetic location: 11q23.3.
Variant type: single nucleotide variant.
Coding change: c.1622A>T on transcript NM_005188.4 (MANE Select); coding-DNA position 1622, A replaced by T.
Protein change: p.Asp541Val; replaces aspartic acid 541 with valine.
Molecular consequence: missense variant.
Genome position (GRCh38, 1-based): chr11:119,285,247, A>T. VCF-style: chr11-119285247-A-T. GRCh37 (hg19) VCF-style: chr11-119155957-A-T.
Other names: c.1622A>T (NM_005188.2); short protein forms D541V.
Identifiers: ClinVar variation 503531 (VCV000503531.9), dbSNP rs147285276, ClinGen allele CA6318575.